The following is an entry in ClinVar:

ClinVar aggregate classification (germline): Benign. Review status: criteria provided, multiple submitters, no conflicts (2 of 4 stars). 2 submissions from 2 submitters: Benign (2). Last evaluated 2018-06-14.

Allele frequency attached by ClinVar (database versions not stated): 1000 Genomes Project 0.36901; 1000 Genomes Project 30x 0.36993; TOPMed 0.45478; gnomAD 0.46899 and 0.47070; gnomAD exomes 0.54159.
gnomAD v4.1: 516,582 of 974,318 alleles (53%); highest among the groups gnomAD compares: Middle Eastern, 63%; 144,538 homozygotes.

Submissions (2):

GeneDx
Classification: Benign. Last evaluated: 2018-06-14. Review status: criteria provided, single submitter. Criteria: GeneDx Variant Classification (06012015). Collection method: clinical testing. Allele origin: germline. Affected: yes.
Comment: This variant is considered likely benign or benign based on one or more of the following criteria: it is a conservative change, it occurs at a poorly conserved position in the protein, it is predicted to be benign by multiple in silico algorithms, and/or has population frequency not consistent with disease.

Breakthrough Genomics
Classification: Benign. Review status: criteria provided, single submitter. Criteria: ACMG Guidelines, 2015. Collection method: not provided. Allele origin: germline. Inheritance: Autosomal dominant inheritance. Affected: yes.

NM_014000.3(VCL):c.2745+151T>C

Gene: VCL (vinculin; plus strand). Cytogenetic location: 10q22.2.
Variant type: single nucleotide variant.
Coding change: c.2745+151T>C on transcript NM_014000.3 (MANE Select); 151 bases into the intron after coding-DNA position 2745, T replaced by C.
Molecular consequence: intron variant.
Genome position (GRCh38, 1-based): chr10:74,109,307, T>C. VCF-style: chr10-74109307-T-C. GRCh37 (hg19) VCF-style: chr10-75869065-T-C.
Other names: c.2745+151T>C (NM_003373.4).
Identifiers: ClinVar variation 672697 (VCV000672697.2), dbSNP rs2270551, ClinGen allele CA15634553.